The following is an entry in ClinVar:

NM_004960.4(FUS):c.685GGT[6] (p.Gly229_Gly231dup)

Gene: FUS (FUS DNA/RNA binding protein; plus strand). Cytogenetic location: 16p11.2.
Variant type: Microsatellite.
Coding change: c.685GGT[6] on transcript NM_004960.4 (MANE Select); six copies in a row of the 3-base unit GGT starting at c.685; the reference has three copies in a row; three copies, 9 bases duplicated.
Protein change: p.Gly229_Gly231dup.
Molecular consequence: inframe insertion. On other transcripts: non-coding transcript variant (1).
Genome position (GRCh38, 1-based): chr16:31,185,100-31,185,108, GGTGGTGGT duplicated. VCF-style (leftmost placement, unchanged base first): chr16-31185099-C-CGGTGGTGGT. GRCh37 (hg19) VCF-style: chr16-31196420-C-CGGTGGTGGT.
Other names: p.Gly229_Gly231dup; c.685_693dupGGTGGTGGT (NM_004960.3, NM_004960.4); c.682GGT[6], p.Gly228_Gly230dup (NM_001170634.1); c.673GGT[6], p.Gly225_Gly227dup (NM_001170937.1).
Identifiers: ClinVar variation 654997 (VCV000654997.39), dbSNP rs757651881, ClinGen allele CA8023763.

ClinVar aggregate classification (germline): Conflicting classifications of pathogenicity. Review status: criteria provided, conflicting classifications (1 of 4 stars). 7 submissions from 7 submitters: Uncertain significance (2); Likely benign (4). 1 of the submissions does not count toward it. Last evaluated 2026-09-01.

Conditions:
Inborn genetic diseases. Identifiers: MedGen C0950123, MeSH D030342.
Amyotrophic lateral sclerosis type 6. Also called: FUS-Related Amyotrophic Laterial Sclerosis; AMYOTROPHIC LATERAL SCLEROSIS 6 WITHOUT FRONTOTEMPORAL DEMENTIA; Amyotrophic lateral sclerosis 6, with or without frontotemporal dementia. Identifiers: Orphanet 275872, Orphanet 803, MedGen C2931786, MONDO:0011951, OMIM 608030.
Tremor, hereditary essential, 4 (ETM4). Identifiers: MedGen C3539195, MONDO:0013888, OMIM 614782.
FUS-related disorder. Also called: FUS-related condition.

Submissions (7):

CeGaT Center for Human Genetics Tuebingen
Classification: Likely benign. Last evaluated: 2026-09-01. Review status: criteria provided, single submitter. Criteria: CeGaT Center For Human Genetics Tuebingen Variant Classification Criteria Version 2. Collection method: clinical testing. Allele origin: germline. Affected: yes. Observed: 4 variant alleles.
Comment: FUS: BP3

Women's Health and Genetics/Laboratory Corporation of America, LabCorp
Classification: Uncertain significance. Last evaluated: 2025-12-04. Review status: criteria provided, single submitter. Criteria: LabCorp Variant Classification Summary - May 2015. Collection method: clinical testing. Allele origin: germline.
Comment: Variant summary: FUS c.685_693dupGGTGGTGGT (p.Gly229_Gly231dup) results in an in-frame duplication that is predicted to duplicate 3 amino acids into the encoded protein. The variant allele was found at a frequency of 8.8e-05 in 227100 control chromosomes. This frequency is not significantly higher than estimated for disease-causing variants in FUS, allowing no conclusion about variant significance. A different variant with the same protein effect (c.678_686dup, p.Gly229_Gly231dup) has been observed in at least 1 individual(s) affected with very early-onset behavioral variant frontotemporal dementia (bvFTD) and was inherited from an unaffected father (example, Aguzzoli_2022, Labcorp Genetics (formerly Invitae)). These report(s) do not provide unequivocal conclusions about association of the variant with Amyotrophic Lateral Sclerosis Type 6. To our knowledge, no experimental evidence demonstrating an impact on protein function has been reported. The following publications have been ascertained in the context of this evaluation (PMID: 32321774, 28389532, 36228146). ClinVar contains an entry for this variant (Variation ID: 654997). Based on the evidence outlined above, the variant was classified as uncertain significance.

Labcorp Genetics (formerly Invitae), Labcorp
Classification: Uncertain significance for Tremor, hereditary essential, 4; Amyotrophic lateral sclerosis type 6. Last evaluated: 2025-11-23. Review status: criteria provided, single submitter. Criteria: Invitae Variant Classification Sherloc (09022015). Collection method: clinical testing. Allele origin: germline.
Comment: This variant, c.685_693dup, results in the insertion of 3 amino acid(s) of the FUS protein (p.Gly229_Gly231dup), but otherwise preserves the integrity of the reading frame. This variant is present in population databases (rs778725612, gnomAD 0.02%). This variant has been observed in individuals with clinical features of amyotrophic lateral sclerosis (PMID: 36228146; internal data). ClinVar contains an entry for this variant (Variation ID: 654997). Experimental studies and prediction algorithms are not available or were not evaluated, and the functional significance of this variant is currently unknown. In summary, the available evidence is currently insufficient to determine the role of this variant in disease. Therefore, it has been classified as a Variant of Uncertain Significance.

Mayo Clinic Laboratories, Mayo Clinic
Classification: Likely benign. Last evaluated: 2024-12-05. Review status: criteria provided, single submitter. Criteria: ACMG Guidelines, 2015. Collection method: clinical testing. Allele origin: germline. Observed: 2 variant alleles.
Comment: BS2, BP3

GeneDx
Classification: Likely benign. Last evaluated: 2021-09-01. Review status: criteria provided, single submitter. Criteria: GeneDx Variant Classification Process June 2021. Collection method: clinical testing. Allele origin: germline. Affected: yes.

Ambry Genetics
Classification: Likely benign for Inborn genetic diseases. Last evaluated: 2019-09-27. Review status: criteria provided, single submitter. Criteria: Ambry Variant Classification Scheme 2023. Collection method: clinical testing. Allele origin: germline.

PreventionGenetics, part of Exact Sciences
Classification: Likely benign for FUS-related condition. Last evaluated: 2024-03-12. Review status: no assertion criteria provided. Collection method: clinical testing. Allele origin: germline. Not counted in ClinVar's aggregate classification.
Comment: This variant is classified as likely benign based on ACMG/AMP sequence variant interpretation guidelines (Richards et al. 2015 PMID: 25741868, with internal and published modifications).

Literature cited by the submitters: PubMed 32321774 (cited by Women's Health and Genetics/Laboratory Corporation of America, LabCorp); PubMed 36228146 (cited by Women's Health and Genetics/Laboratory Corporation of America, LabCorp and Labcorp Genetics (formerly Invitae), Labcorp); PubMed 28389532 (cited by Women's Health and Genetics/Laboratory Corporation of America, LabCorp).